The following is an entry in ClinVar:

NM_000016.6(ACADM):c.11G>T (p.Gly4Val)

Gene: ACADM (acyl-CoA dehydrogenase medium chain; plus strand). Cytogenetic location: 1p31.1.
Variant type: single nucleotide variant.
Coding change: c.11G>T on transcript NM_000016.6 (MANE Select); coding-DNA position 11, G replaced by T.
Protein change: p.Gly4Val; replaces glycine 4 with valine.
Molecular consequence: missense variant. On other transcripts: 5 prime UTR variant (2).
Genome position (GRCh38, 1-based): chr1:75,724,798, G>T. VCF-style: chr1-75724798-G-T. GRCh37 (hg19) VCF-style: chr1-76190483-G-T.
Other names: c.11G>T, p.Gly4Val (NM_001127328.3, NM_001286043.2); c.-10G>T (NM_001286042.2); c.-287G>T (NM_001286044.2); short protein forms G4V.
Identifiers: ClinVar variation 2166644 (VCV002166644.1), dbSNP rs201646499, ClinGen allele CA912890.
Genomic context (GRCh38, chr1:75,724,798, plus strand): 5'-AAGGCCGTGACCCGTGTATTATTGTCCGAGTGGCCGGAACGGGAGCCAACATGGCAGCGG[G>T]GTTCGGGCGATGCTGCAGGGTGAGAGGGAGCCCAGCGGTGCGGTGGGGCTGGAACATGGG-3'
Protein context (NP_000007.1, residues 1-14): MAA[Gly4Val]FGRCCRVLRS

ClinVar aggregate classification (germline): Uncertain significance (1 of 4 stars; one submission).

Conditions:
Medium-chain acyl-coenzyme A dehydrogenase deficiency (ACADMD). Also called: CARNITINE DEFICIENCY SECONDARY TO MEDIUM-CHAIN ACYL-CoA DEHYDROGENASE DEFICIENCY; Medium chain acyl-CoA dehydrogenase deficiency; MCADH DEFICIENCY; ACADM DEFICIENCY; MCADD; MCAD Deficiency. Identifiers: Orphanet 42, MedGen C0220710, MONDO:0008721, OMIM 201450.

Allele frequency attached by ClinVar (database versions not stated): gnomAD 0.00001; gnomAD exomes 0.00001; TOPMed 0.00003; ExAC 0.00004; 1000 Genomes Project 30x 0.00016; 1000 Genomes Project 0.00020.
gnomAD v4.1: 8 of 1,521,966 alleles (0.00053%); highest among the groups gnomAD compares: Admixed American, 0.016%; no homozygotes.

Submission:

Labcorp Genetics (formerly Invitae), Labcorp
Classification: Uncertain significance for Medium-chain acyl-coenzyme A dehydrogenase deficiency. Last evaluated: 2022-08-02. Review status: criteria provided, single submitter. Criteria: Invitae Variant Classification Sherloc (09022015). Collection method: clinical testing. Allele origin: germline.
Comment: This sequence change replaces glycine, which is neutral and non-polar, with valine, which is neutral and non-polar, at codon 4 of the ACADM protein (p.Gly4Val). This variant is present in population databases (rs201646499, gnomAD 0.02%). This variant has not been reported in the literature in individuals affected with ACADM-related conditions. Advanced modeling of protein sequence and biophysical properties (such as structural, functional, and spatial information, amino acid conservation, physicochemical variation, residue mobility, and thermodynamic stability) performed at Invitae indicates that this missense variant is not expected to disrupt ACADM protein function. In summary, the available evidence is currently insufficient to determine the role of this variant in disease. Therefore, it has been classified as a Variant of Uncertain Significance.